The following is an entry in ClinVar:

ClinVar aggregate classification (germline): Uncertain significance (1 of 4 stars; one submission).

Conditions:
Inborn genetic diseases. Identifiers: MedGen C0950123, MeSH D030342.

Submission:

Ambry Genetics
Classification: Uncertain significance for Inborn genetic diseases. Last evaluated: 2024-04-22. Review status: criteria provided, single submitter. Criteria: Ambry Variant Classification Scheme 2023. Collection method: clinical testing. Allele origin: germline.
Comment: The p.S296T variant (also known as c.886T>A), located in coding exon 7 of the ACD gene, results from a T to A substitution at nucleotide position 886. The serine at codon 296 is replaced by threonine, an amino acid with similar properties. This amino acid position is conserved. In addition, this alteration is predicted to be tolerated by in silico analysis. Based on the available evidence, the clinical significance of this variant remains unclear.

NM_001082486.2(ACD):c.628T>A (p.Ser210Thr)

Gene: ACD (ACD shelterin complex subunit and telomerase recruitment factor; minus strand). Cytogenetic location: 16q22.1.
Variant type: single nucleotide variant.
Coding change: c.628T>A on transcript NM_001082486.2 (MANE Select); coding-DNA position 628, T replaced by A.
Protein change: p.Ser210Thr; replaces serine 210 with threonine.
Molecular consequence: missense variant.
Genome position (GRCh38, 1-based): chr16:67,658,945, A>T on the plus strand (T>A on the coding strand, the complement: ACD is on the minus strand). VCF-style: chr16-67658945-A-T. GRCh37 (hg19) VCF-style: chr16-67692848-A-T.
Other names: c.628T>A, p.Ser210Thr (NM_001410884.1); c.619T>A, p.Ser207Thr (NM_022914.3); short protein forms S207T, S210T.
Identifiers: ClinVar variation 3261522 (VCV003261522.1).